The following is an entry in ClinVar:

NM_000257.4(MYH7):c.1739T>C (p.Ile580Thr)

Gene: MYH7 (myosin heavy chain 7; minus strand). Cytogenetic location: 14q11.2.
Variant type: single nucleotide variant.
Coding change: c.1739T>C on transcript NM_000257.4 (MANE Select); coding-DNA position 1739, T replaced by C.
Protein change: p.Ile580Thr; replaces isoleucine 580 with threonine.
Molecular consequence: missense variant.
Genome position (GRCh38, 1-based): chr14:23,427,734, A>G on the plus strand (T>C on the coding strand, the complement: MYH7 is on the minus strand). VCF-style: chr14-23427734-A-G. GRCh37 (hg19) VCF-style: chr14-23896943-A-G.
Other names: c.1739T>C, p.Ile580Thr (NM_001407004.1); short protein forms I580T.
Identifiers: ClinVar variation 1896295 (VCV001896295.5), dbSNP rs2502296983, ClinGen allele CA389049919.
Genomic context (GRCh38, chr14:23,427,734, plus strand): 5'-GGATCCTTGTTCTTCTGCAGCCAGCCAATGATGTTGTAGTCCACGATGCCGGCATAGTGG[A>G]TCAGGGAGAAGTGGGCTTCAGGCTTCCCCTTGATATTGCGTGGCTTCTGGAAGTTGGCGG-3'
Protein context (NP_000248.2, residues 570-590): KGKPEAHFSL[Ile580Thr]HYAGIVDYNI

ClinVar aggregate classification (germline): Uncertain significance (1 of 4 stars; one submission).

Conditions:
Hypertrophic cardiomyopathy. Also called: HYPERTROPHIC MYOCARDIOPATHY. Identifiers: Orphanet 217569, MedGen C0007194, MeSH D002312, MONDO:0005045, HP:0001639.

Allele frequency attached by ClinVar (database versions not stated): gnomAD exomes below 0.00001.

Submission:

Labcorp Genetics (formerly Invitae), Labcorp
Classification: Uncertain significance for Hypertrophic cardiomyopathy. Last evaluated: 2024-04-29. Review status: criteria provided, single submitter. Criteria: Invitae Variant Classification Sherloc (09022015). Collection method: clinical testing. Allele origin: germline.
Comment: This sequence change replaces isoleucine, which is neutral and non-polar, with threonine, which is neutral and polar, at codon 580 of the MYH7 protein (p.Ile580Thr). This variant is not present in population databases (gnomAD no frequency). This variant has not been reported in the literature in individuals affected with MYH7-related conditions. ClinVar contains an entry for this variant (Variation ID: 1896295). Advanced modeling of protein sequence and biophysical properties (such as structural, functional, and spatial information, amino acid conservation, physicochemical variation, residue mobility, and thermodynamic stability) has been performed at Invitae for this missense variant, however the output from this modeling did not meet the statistical confidence thresholds required to predict the impact of this variant on MYH7 protein function. In summary, the available evidence is currently insufficient to determine the role of this variant in disease. Therefore, it has been classified as a Variant of Uncertain Significance.